The following is an entry in ClinVar:

ClinVar aggregate classification (germline): Uncertain significance (1 of 4 stars; one submission).

Conditions:
Familial melanoma. Also called: Hereditary melanoma; Hereditary cutaneous melanoma. Identifiers: Orphanet 618, MedGen C1512419, MONDO:0018961.

Submission:

Labcorp Genetics (formerly Invitae), Labcorp
Classification: Uncertain significance for Familial melanoma. Last evaluated: 2022-01-23. Review status: criteria provided, single submitter. Criteria: Invitae Variant Classification Sherloc (09022015). Collection method: clinical testing. Allele origin: germline.
Comment: In summary, the available evidence is currently insufficient to determine the role of this variant in disease. Therefore, it has been classified as a Variant of Uncertain Significance. Algorithms developed to predict the effect of missense changes on protein structure and function (SIFT, PolyPhen-2, Align-GVGD) all suggest that this variant is likely to be tolerated. This variant has not been reported in the literature in individuals affected with CDK4-related conditions. This variant is not present in population databases (gnomAD no frequency). This sequence change replaces isoleucine, which is neutral and non-polar, with valine, which is neutral and non-polar, at codon 136 of the CDK4 protein (p.Ile136Val).

NM_000075.4(CDK4):c.406A>G (p.Ile136Val)

Gene: CDK4 (cyclin dependent kinase 4; minus strand). Cytogenetic location: 12q14.1.
Variant type: single nucleotide variant.
Coding change: c.406A>G on transcript NM_000075.4 (MANE Select); coding-DNA position 406, A replaced by G.
Protein change: p.Ile136Val; replaces isoleucine 136 with valine.
Molecular consequence: missense variant.
Genome position (GRCh38, 1-based): chr12:57,751,039, T>C on the plus strand (A>G on the coding strand, the complement: CDK4 is on the minus strand). VCF-style: chr12-57751039-T-C. GRCh37 (hg19) VCF-style: chr12-58144822-T-C.
Other names: short protein forms I136V.
Identifiers: ClinVar variation 2089184 (VCV002089184.4), dbSNP rs2140386656, ClinGen allele CA385546796.